The following is an entry in ClinVar:

NM_005751.5(AKAP9):c.8783G>A (p.Arg2928Gln)

Gene: AKAP9 (A-kinase anchoring protein 9; plus strand). Cytogenetic location: 7q21.2.
Variant type: single nucleotide variant.
Coding change: c.8783G>A on transcript NM_005751.5 (MANE Select); coding-DNA position 8783, G replaced by A.
Protein change: p.Arg2928Gln; replaces arginine 2928 with glutamine.
Molecular consequence: missense variant.
Genome position (GRCh38, 1-based): chr7:92,084,891, G>A. VCF-style: chr7-92084891-G-A. GRCh37 (hg19) VCF-style: chr7-91714205-G-A.
Other names: c.3428G>A, p.Arg1143Gln (NM_001379277.1); c.8759G>A, p.Arg2920Gln (NM_147185.3); c.8783G>A (NM_005751.4); short protein forms R1143Q, R2920Q, R2928Q.
Identifiers: ClinVar variation 1008534 (VCV001008534.11), dbSNP rs141103974, ClinGen allele CA4337586.

ClinVar aggregate classification (germline): Conflicting classifications of pathogenicity. Review status: criteria provided, conflicting classifications (1 of 4 stars). 4 submissions from 4 submitters: Uncertain significance (3); Likely benign (1). Last evaluated 2025-11-14.

Conditions:
Long QT syndrome (LQTS). Identifiers: MedGen C0023976, MeSH D008133, MONDO:0002442. Disease mechanism: loss of function. Inheritance: Various modes of inheritance.
Cardiovascular phenotype. Identifiers: MedGen CN230736.
Long QT syndrome 11 (LQT11). Identifiers: Orphanet 101016, Orphanet 768, MedGen C2678483, MONDO:0012738, OMIM 611820.

Allele frequency attached by ClinVar (database versions not stated): ExAC 0.00002; gnomAD 0.00002; TOPMed 0.00002; ESP Exome Variant Server 0.00008.
gnomAD v4.1: 38 of 1,613,244 alleles (0.0024%); highest among the groups gnomAD compares: East Asian, 0.011%; no homozygotes.

Submissions (4):

Women's Health and Genetics/Laboratory Corporation of America, LabCorp
Classification: Uncertain significance. Last evaluated: 2025-11-14. Review status: criteria provided, single submitter. Criteria: LabCorp Variant Classification Summary - May 2015. Collection method: clinical testing. Allele origin: germline.

Labcorp Genetics (formerly Invitae), Labcorp
Classification: Uncertain significance for Long QT syndrome. Last evaluated: 2025-08-06. Review status: criteria provided, single submitter. Criteria: Invitae Variant Classification Sherloc (09022015). Collection method: clinical testing. Allele origin: germline.
Comment: This sequence change replaces arginine, which is basic and polar, with glutamine, which is neutral and polar, at codon 2928 of the AKAP9 protein (p.Arg2928Gln). This variant is present in population databases (rs141103974, gnomAD 0.005%). This variant has not been reported in the literature in individuals affected with AKAP9-related conditions. ClinVar contains an entry for this variant (Variation ID: 1008534). An algorithm developed to predict the effect of missense changes on protein structure and function outputs the following: PolyPhen-2: "Benign". The glutamine amino acid residue is found in multiple mammalian species, which suggests that this missense change does not adversely affect protein function. In summary, the available evidence is currently insufficient to determine the role of this variant in disease. Therefore, it has been classified as a Variant of Uncertain Significance.

Ambry Genetics
Classification: Likely benign for Cardiovascular phenotype. Last evaluated: 2023-12-08. Review status: criteria provided, single submitter. Criteria: Ambry Variant Classification Scheme 2023. Collection method: clinical testing. Allele origin: germline.

Fulgent Genetics
Classification: Uncertain significance for Long QT syndrome 11. Last evaluated: 2021-10-17. Review status: criteria provided, single submitter. Criteria: ACMG Guidelines, 2015. Collection method: clinical testing. Allele origin: unknown.